The following is an entry in ClinVar:

NM_001277115.2(DNAH11):c.12371T>C (p.Leu4124Ser)

Gene: DNAH11 (dynein axonemal heavy chain 11; plus strand). Cytogenetic location: 7p15.3.
Variant type: single nucleotide variant.
Coding change: c.12371T>C on transcript NM_001277115.2 (MANE Select); coding-DNA position 12371, T replaced by C.
Protein change: p.Leu4124Ser; replaces leucine 4124 with serine.
Molecular consequence: missense variant.
Genome position (GRCh38, 1-based): chr7:21,880,877, T>C. VCF-style: chr7-21880877-T-C. GRCh37 (hg19) VCF-style: chr7-21920495-T-C.
Other names: c.12392T>C, p.Leu4131Ser (NM_003777.3); short protein forms L4124S, L4131S.
Identifiers: ClinVar variation 1805672 (VCV001805672.4), dbSNP rs1388130536, ClinGen allele CA366964219.

ClinVar aggregate classification (germline): Conflicting classifications of pathogenicity. Review status: criteria provided, conflicting classifications (1 of 4 stars). 2 submissions from 2 submitters: Uncertain significance (1); Likely benign (1). Last evaluated 2023-03-10.

Conditions:
Primary ciliary dyskinesia. Also called: Ciliary dyskinesia. Identifiers: Orphanet 244, MedGen C0008780, MONDO:0016575, HP:0012265.
Primary ciliary dyskinesia 7. Also called: CILIARY DYSKINESIA, PRIMARY, 7, WITH OR WITHOUT SITUS INVERSUS. Identifiers: Orphanet 244, MedGen C2678473, MONDO:0012748, OMIM 611884.

Allele frequency attached by ClinVar (database versions not stated): gnomAD exomes below 0.00001; TOPMed below 0.00001.
gnomAD v4.1: 1 of 1,604,760 alleles (0.000062%); highest among the groups gnomAD compares: East Asian, 0.0022%; no homozygotes.

Submissions (2):

Labcorp Genetics (formerly Invitae), Labcorp
Classification: Likely benign for Primary ciliary dyskinesia. Last evaluated: 2023-03-10. Review status: criteria provided, single submitter. Criteria: Invitae Variant Classification Sherloc (09022015). Collection method: clinical testing. Allele origin: germline.

Victorian Clinical Genetics Services, Murdoch Childrens Research Institute
Classification: Uncertain significance for Primary ciliary dyskinesia 7. Last evaluated: 2022-02-02. Review status: criteria provided, single submitter. Criteria: ACMG Guidelines, 2015. Collection method: clinical testing. Allele origin: germline. Inheritance: Autosomal recessive inheritance. Affected: yes.
Comment: Based on the classification scheme VCGS_Germline_v1.3.4, this variant is classified as VUS-3B. Following criteria are met: 0102 - Loss of function is a known mechanism of disease in this gene and is associated with primary ciliary dyskinesia, 7, with or without situs inversus (MIM#611884). (I) 0106 - This gene is associated with autosomal recessive disease. (I) 0200 - Variant is predicted to result in a missense amino acid change from leucine to serine. (I) 0251 - This variant is heterozygous. (I) 0304 - Variant is present in gnomAD (v2) <0.001 for a recessive condition (1 heterozygote, 0 homozygotes). (SP) 0309 - An alternative amino acid change at the same position has been observed in gnomAD (v3) (159 heterozygotes, 1 homozygote). (I) 0502 - Missense variant with conflicting in silico predictions and uninformative conservation. (I) 0600 - Variant is located in the annotated AAA lid domain (DECIPHER). (I) 0705 - No comparable missense variants have previous evidence for pathogenicity. (I) 0807 - This variant has no previous evidence of pathogenicity. (I) 0905 - No published segregation evidence has been identified for this variant. (I) 1007 - No published functional evidence has been identified for this variant. (I) 1208 - Inheritance information for this variant is not currently available in this individual. (I) Legend: (SP) - Supporting pathogenic, (I) - Information, (SB) - Supporting benign